The following is an entry in ClinVar:

ClinVar aggregate classification (germline): Likely benign. Review status: criteria provided, multiple submitters, no conflicts (2 of 4 stars). 3 submissions from 3 submitters: Likely benign (3). Last evaluated 2026-06-15.

Conditions:
ABHD12-related disorder. Also called: ABHD12-related condition.

gnomAD v4.1: 4 of 1,391,668 alleles (0.00029%); highest among the groups gnomAD compares: African/African-American, 0.003%; no homozygotes.

Submissions (3):

PreventionGenetics, part of Exact Sciences
Classification: Likely benign for ABHD12-related condition. Last evaluated: 2026-06-15. Review status: criteria provided, single submitter. Criteria: ACMG Guidelines, 2015. Collection method: clinical testing. Allele origin: germline.
Comment: This variant is classified as likely benign based on ACMG/AMP sequence variant interpretation guidelines (Richards et al. 2015 PMID: 25741868, with internal and published modifications).

Labcorp Genetics (formerly Invitae), Labcorp
Classification: Likely benign. Last evaluated: 2024-09-21. Review status: criteria provided, single submitter. Criteria: Invitae Variant Classification Sherloc (09022015). Collection method: clinical testing. Allele origin: germline.

Blueprint Genetics
Classification: Likely benign. Last evaluated: 2019-03-14. Review status: criteria provided, single submitter. Criteria: ACMG Guidelines, 2015. Collection method: clinical testing. Allele origin: germline.

NM_001042472.3(ABHD12):c.6G>A (p.Arg2=)

Genes: ABHD12 (abhydrolase domain containing 12, lysophospholipase; minus strand), LOC130065586 (ATAC-STARR-seq lymphoblastoid silent region 12752; plus strand). Cytogenetic location: 20p11.21.
Variant type: single nucleotide variant.
Coding change: c.6G>A on transcript NM_001042472.3 (MANE Select); coding-DNA position 6, G replaced by A.
Protein change: p.Arg2=; no amino-acid change (arginine 2 retained).
Molecular consequence: synonymous variant.
Genome position (GRCh38, 1-based): chr20:25,390,698, C>T on the plus strand (G>A on the coding strand, the complement: ABHD12 is on the minus strand). VCF-style: chr20-25390698-C-T. GRCh37 (hg19) VCF-style: chr20-25371334-C-T.
Other names: c.6G>A (NM_001042472.2); c.6G>A, p.Arg2= (NM_015600.5).
Identifiers: ClinVar variation 3716777 (VCV003716777.4).
Genomic context (GRCh38, chr20:25,390,698, plus strand): 5'-GGAGGACGAGCCCGCGGCGGCGCAGCGCTCATGCTCCAAGGCGACGGGCTCGGTCCGCTT[C>T]CTCATCCCGCGGCCGACAGGGCCAGCCGCCGACGGCGCCCGCTGGCCTGCGCCGCAGTGC-3'
Protein context (NP_001035937.1, residues 1-12): M[Arg2=]KRTEPVALEH